The following is an entry in ClinVar:

NM_018489.3(ASH1L):c.4153C>T (p.Pro1385Ser)

Gene: ASH1L (ASH1 like histone lysine methyltransferase; minus strand). Cytogenetic location: 1q22.
Variant type: single nucleotide variant.
Coding change: c.4153C>T on transcript NM_018489.3 (MANE Select); coding-DNA position 4153, C replaced by T.
Protein change: p.Pro1385Ser; replaces proline 1385 with serine.
Molecular consequence: missense variant.
Genome position (GRCh38, 1-based): chr1:155,478,717, G>A on the plus strand (C>T on the coding strand, the complement: ASH1L is on the minus strand). VCF-style: chr1-155478717-G-A. GRCh37 (hg19) VCF-style: chr1-155448508-G-A.
Other names: c.4153C>T, p.Pro1385Ser (NM_001366177.2); short protein forms P1385S.
Identifiers: ClinVar variation 4994650 (VCV004994650.1).

ClinVar aggregate classification (germline): Uncertain significance (1 of 4 stars; one submission).

Conditions:
ASH1L-related disorder. Also called: ASH1L-related condition.

Submission:

PreventionGenetics, part of Exact Sciences
Classification: Uncertain significance for ASH1L-related condition. Last evaluated: 2025-08-18. Review status: criteria provided, single submitter. Criteria: ACMG Guidelines, 2015. Collection method: clinical testing. Allele origin: germline.
Comment: The ASH1L c.4153C>T variant is predicted to result in the amino acid substitution p.Pro1385Ser. To our knowledge, this variant has not been reported in the literature or in a large population database (gnomAD), indicating this variant is rare. At this time, the clinical significance of this variant is uncertain due to the absence of conclusive functional and genetic evidence.